The following is an entry in ClinVar:

ClinVar aggregate classification (germline): Uncertain significance. Review status: criteria provided, multiple submitters, no conflicts (2 of 4 stars). 2 submissions from 2 submitters: Uncertain significance (2). Last evaluated 2025-10-21.

gnomAD v4.1: 7 of 1,614,194 alleles (0.00043%); highest among the groups gnomAD compares: Non-Finnish European, 0.00059%; no homozygotes.

Submissions (2):

Labcorp Genetics (formerly Invitae), Labcorp
Classification: Uncertain significance. Last evaluated: 2025-10-21. Review status: criteria provided, single submitter. Criteria: Invitae Variant Classification Sherloc (09022015). Collection method: clinical testing. Allele origin: germline.
Comment: This sequence change replaces isoleucine, which is neutral and non-polar, with leucine, which is neutral and non-polar, at codon 1093 of the ATRN protein (p.Ile1093Leu). This variant is not present in population databases (gnomAD no frequency). This variant has not been reported in the literature in individuals affected with ATRN-related conditions. ClinVar contains an entry for this variant (Variation ID: 1899320). An algorithm developed to predict the effect of missense changes on protein structure and function (PolyPhen-2) suggests that this variant is likely to be tolerated. In summary, the available evidence is currently insufficient to determine the role of this variant in disease. Therefore, it has been classified as a Variant of Uncertain Significance.

Ambry Genetics
Classification: Uncertain significance. Last evaluated: 2022-04-07. Review status: criteria provided, single submitter. Criteria: Ambry Variant Classification Scheme 2023. Collection method: clinical testing. Allele origin: germline.

NM_139321.3(ATRN):c.3277A>T (p.Ile1093Leu)

Gene: ATRN (attractin; plus strand). Cytogenetic location: 20p13.
Variant type: single nucleotide variant.
Coding change: c.3277A>T on transcript NM_139321.3 (MANE Select); coding-DNA position 3277, A replaced by T.
Protein change: p.Ile1093Leu; replaces isoleucine 1093 with leucine.
Molecular consequence: missense variant.
Genome position (GRCh38, 1-based): chr20:3,591,261, A>T. VCF-style: chr20-3591261-A-T. GRCh37 (hg19) VCF-style: chr20-3571908-A-T.
Other names: c.2929A>T, p.Ile977Leu (NM_001207047.3); c.3277A>T, p.Ile1093Leu (NM_001323332.2, NM_139322.4); short protein forms I1093L, I977L.
Identifiers: ClinVar variation 1899320 (VCV001899320.6), dbSNP rs138168851, ClinGen allele CA408100161.